The following is an entry in ClinVar:

NM_004369.4(COL6A3):c.4408C>T (p.Pro1470Ser)

Gene: COL6A3 (collagen type VI alpha 3 chain; minus strand). Cytogenetic location: 2q37.3.
Variant type: single nucleotide variant.
Coding change: c.4408C>T on transcript NM_004369.4 (MANE Select); coding-DNA position 4408, C replaced by T.
Protein change: p.Pro1470Ser; replaces proline 1470 with serine.
Molecular consequence: missense variant.
Genome position (GRCh38, 1-based): chr2:237,369,055, G>A on the plus strand (C>T on the coding strand, the complement: COL6A3 is on the minus strand). VCF-style: chr2-237369055-G-A. GRCh37 (hg19) VCF-style: chr2-238277698-G-A.
Other names: c.2587C>T, p.Pro863Ser (NM_057166.5); c.3790C>T, p.Pro1264Ser (NM_057167.4); short protein forms P1470S, P863S, P1264S.
Identifiers: ClinVar variation 3692113 (VCV003692113.2).

ClinVar aggregate classification (germline): Uncertain significance (1 of 4 stars; one submission).

Conditions:
Bethlem myopathy 1A. Also called: MYOPATHY, BENIGN CONGENITAL, WITH CONTRACTURES; Bethlem myopathy 1; Bethlem Muscular Dystrophy. Identifiers: Orphanet 610, MedGen CN029274, MONDO:0024530, OMIM 158810.

Submission:

Labcorp Genetics (formerly Invitae), Labcorp
Classification: Uncertain significance for Bethlem myopathy 1A. Last evaluated: 2024-10-30. Review status: criteria provided, single submitter. Criteria: Invitae Variant Classification Sherloc (09022015). Collection method: clinical testing. Allele origin: germline.
Comment: This sequence change replaces proline, which is neutral and non-polar, with serine, which is neutral and polar, at codon 1470 of the COL6A3 protein (p.Pro1470Ser). This variant is not present in population databases (gnomAD no frequency). This variant has not been reported in the literature in individuals affected with COL6A3-related conditions. Invitae Evidence Modeling of protein sequence and biophysical properties (such as structural, functional, and spatial information, amino acid conservation, physicochemical variation, residue mobility, and thermodynamic stability) indicates that this missense variant is not expected to disrupt COL6A3 protein function with a negative predictive value of 80%. In summary, the available evidence is currently insufficient to determine the role of this variant in disease. Therefore, it has been classified as a Variant of Uncertain Significance.